The following is an entry in ClinVar:

ClinVar aggregate classification (germline): Uncertain significance. Review status: criteria provided, multiple submitters, no conflicts (2 of 4 stars). 2 submissions from 2 submitters: Uncertain significance (2). Last evaluated 2025-08-22.

Conditions:
Inborn genetic diseases. Identifiers: MedGen C0950123, MeSH D030342.

Allele frequency attached by ClinVar (database versions not stated): TOPMed 0.00005.
gnomAD v4.1: 21 of 1,613,510 alleles (0.0013%); highest among the groups gnomAD compares: Middle Eastern, 0.016%; no homozygotes.

Submissions (2):

Labcorp Genetics (formerly Invitae), Labcorp
Classification: Uncertain significance. Last evaluated: 2025-08-22. Review status: criteria provided, single submitter. Criteria: Invitae Variant Classification Sherloc (09022015). Collection method: clinical testing. Allele origin: germline.
Comment: This sequence change replaces aspartic acid, which is acidic and polar, with asparagine, which is neutral and polar, at codon 397 of the PMPCA protein (p.Asp397Asn). This variant is present in population databases (rs763357088, gnomAD 0.0009%). This variant has not been reported in the literature in individuals affected with PMPCA-related conditions. ClinVar contains an entry for this variant (Variation ID: 2395864). Invitae Evidence Modeling of protein sequence and biophysical properties (such as structural, functional, and spatial information, amino acid conservation, physicochemical variation, residue mobility, and thermodynamic stability) indicates that this missense variant is not expected to disrupt PMPCA protein function with a negative predictive value of 80%. In summary, the available evidence is currently insufficient to determine the role of this variant in disease. Therefore, it has been classified as a Variant of Uncertain Significance.

Ambry Genetics
Classification: Uncertain significance for Inborn genetic diseases. Last evaluated: 2021-09-17. Review status: criteria provided, single submitter. Criteria: Ambry Variant Classification Scheme 2023. Collection method: clinical testing. Allele origin: germline.

NM_015160.3(PMPCA):c.1189G>A (p.Asp397Asn)

Gene: PMPCA (peptidase, mitochondrial processing subunit alpha; plus strand). Cytogenetic location: 9q34.3.
Variant type: single nucleotide variant.
Coding change: c.1189G>A on transcript NM_015160.3 (MANE Select); coding-DNA position 1189, G replaced by A.
Protein change: p.Asp397Asn; replaces aspartic acid 397 with asparagine.
Molecular consequence: missense variant.
Genome position (GRCh38, 1-based): chr9:136,418,907, G>A. VCF-style: chr9-136418907-G-A. GRCh37 (hg19) VCF-style: chr9-139313359-G-A.
Other names: c.796G>A, p.Asp266Asn (NM_001282944.2); c.889G>A, p.Asp297Asn (NM_001282946.2); short protein forms D297N, D266N, D397N.
Identifiers: ClinVar variation 2395864 (VCV002395864.3), dbSNP rs763357088, ClinGen allele CA201626376.